The following is an entry in ClinVar:

ClinVar aggregate classification (germline): Uncertain significance. Review status: criteria provided, multiple submitters, no conflicts (2 of 4 stars). 2 submissions from 2 submitters: Uncertain significance (2). Last evaluated 2022-11-30.

Conditions:
Inborn genetic diseases. Identifiers: MedGen C0950123, MeSH D030342.

Allele frequency attached by ClinVar (database versions not stated): gnomAD exomes 0.00002.
gnomAD v4.1: 32 of 1,563,132 alleles (0.002%); highest among the groups gnomAD compares: Non-Finnish European, 0.0028%; no homozygotes.

Submissions (2):

Ambry Genetics
Classification: Uncertain significance for Inborn genetic diseases. Last evaluated: 2022-11-30. Review status: criteria provided, single submitter. Criteria: Ambry Variant Classification Scheme 2023. Collection method: clinical testing. Allele origin: germline.

Labcorp Genetics (formerly Invitae), Labcorp
Classification: Uncertain significance. Last evaluated: 2022-04-21. Review status: criteria provided, single submitter. Criteria: Invitae Variant Classification Sherloc (09022015). Collection method: clinical testing. Allele origin: germline.
Comment: In summary, the available evidence is currently insufficient to determine the role of this variant in disease. Therefore, it has been classified as a Variant of Uncertain Significance. Algorithms developed to predict the effect of missense changes on protein structure and function are either unavailable or do not agree on the potential impact of this missense change (SIFT: "Tolerated"; PolyPhen-2: "Possibly Damaging"; Align-GVGD: "Class C0"). This variant has not been reported in the literature in individuals affected with MYSM1-related conditions. This variant is not present in population databases (gnomAD no frequency). This sequence change replaces leucine, which is neutral and non-polar, with proline, which is neutral and non-polar, at codon 754 of the MYSM1 protein (p.Leu754Pro).

NM_001085487.3(MYSM1):c.2261T>C (p.Leu754Pro)

Gene: MYSM1 (Myb like, SWIRM and MPN domains 1; minus strand). Cytogenetic location: 1p32.1.
Variant type: single nucleotide variant.
Coding change: c.2261T>C on transcript NM_001085487.3 (MANE Select); coding-DNA position 2261, T replaced by C.
Protein change: p.Leu754Pro; replaces leucine 754 with proline.
Molecular consequence: missense variant.
Genome position (GRCh38, 1-based): chr1:58,661,415, A>G on the plus strand (T>C on the coding strand, the complement: MYSM1 is on the minus strand). VCF-style: chr1-58661415-A-G. GRCh37 (hg19) VCF-style: chr1-59127087-A-G.
Other names: short protein forms L754P.
Identifiers: ClinVar variation 1983395 (VCV001983395.5), dbSNP rs965499184, ClinGen allele CA22858365.